The following is an entry in ClinVar:

NM_002070.4(GNAI2):c.536G>A (p.Arg179His)

Gene: GNAI2 (G protein subunit alpha i2; plus strand). Cytogenetic location: 3p21.31.
Variant type: single nucleotide variant.
Coding change: c.536G>A on transcript NM_002070.4 (MANE Select); coding-DNA position 536, G replaced by A.
Protein change: p.Arg179His; replaces arginine 179 with histidine.
Molecular consequence: missense variant.
Genome position (GRCh38, 1-based): chr3:50,256,263, G>A. VCF-style: chr3-50256263-G-A. GRCh37 (hg19) VCF-style: chr3-50293695-G-A.
Other names: c.536G>A (NM_002070.3); c.425G>A, p.Arg142His (NM_001166425.2); c.380G>A, p.Arg127His (NM_001282617.2); c.293G>A, p.Arg98His (NM_001282618.2); c.488G>A, p.Arg163His (NM_001282619.2, NM_001282620.2); short protein forms R179H, R142H, R163H, R98H, R127H.
Identifiers: ClinVar variation 15904 (VCV000015904.3), dbSNP rs137853227, ClinGen allele CA126035.

ClinVar aggregate classification (germline): Pathogenic. Review status: criteria provided, single submitter (1 of 4 stars). 5 submissions from 2 submitters: Pathogenic (1). 4 of the submissions do not count toward it. Last evaluated 2025-02-03.

Conditions:
MAGIS SYNDROME (MAGIS). Identifiers: MedGen CN382444, OMIM 621707.
THECOMA, SOMATIC. Identifiers: MedGen C2750844.
Ovarian granulosa cell tumor. Also called: Granulosa cell tumor, somatic; Granulosa cell tumor of the ovary. Identifiers: MedGen C1370419, MONDO:0023283.
Adrenocortical tumor, somatic. Also called: Adrenal cortical tumor, somatic. Identifiers: MedGen C4016392.

Allele frequency attached by ClinVar (database versions not stated): gnomAD exomes below 0.00001; gnomAD 0.00001; TOPMed below 0.00001.
gnomAD v4.1: 2 of 1,561,028 alleles (0.00013%); highest among the groups gnomAD compares: African/African-American, 0.0014%; no homozygotes.

Submissions (5):

GeneDx
Classification: Pathogenic. Last evaluated: 2025-02-03. Review status: criteria provided, single submitter. Criteria: GeneDx Variant Classification Process June 2021. Collection method: clinical testing. Allele origin: germline. Affected: yes.
Comment: Published functional studies suggest that this variant is associated with decreased GTPase activity and hydrolysis and decreased cAMP production (PMID: 39298586); In silico analysis supports that this missense variant has a deleterious effect on protein structure/function; Not observed at significant frequency in large population cohorts (gnomAD); This variant is associated with the following publications: (PMID: 26437030, 31439678, 27535533, 31036916, 39298586)

OMIM
Classification: Pathogenic for MAGIS SYNDROME. Last evaluated: 1990-08-10. Review status: no assertion criteria provided. Collection method: literature only. Allele origin: unknown. Not counted in ClinVar's aggregate classification.

OMIM
Classification: Pathogenic for GRANULOSA CELL TUMOR, SOMATIC. Last evaluated: 1990-08-10. Review status: no assertion criteria provided. Collection method: literature only. Allele origin: somatic. Not counted in ClinVar's aggregate classification.

OMIM
Classification: Pathogenic for THECOMA, SOMATIC. Last evaluated: 1990-08-10. Review status: no assertion criteria provided. Collection method: literature only. Allele origin: somatic. Not counted in ClinVar's aggregate classification.

OMIM
Classification: Pathogenic for ADRENAL CORTICAL TUMOR, SOMATIC. Last evaluated: 1990-08-10. Review status: no assertion criteria provided. Collection method: literature only. Allele origin: somatic. Not counted in ClinVar's aggregate classification.

Literature cited by the submitters: PubMed 39298586 (cited by OMIM); PubMed 31036916 (cited by OMIM); Hamosh, A. Personal Communication. 2026. Baltimore, Md. (cited by OMIM); PubMed 2116665 (cited by OMIM).